The following is an entry in ClinVar:

NM_000094.4(COL7A1):c.8664del (p.Ala2887_Tyr2888insTer)

Gene: COL7A1 (collagen type VII alpha 1 chain; minus strand). Cytogenetic location: 3p21.31.
Variant type: Deletion.
Coding change: c.8664del on transcript NM_000094.4 (MANE Select); coding-DNA position 8664, one base deleted (C; older notation c.8664delC).
Protein change: p.Ala2887_Tyr2888insTer.
Molecular consequence: nonsense.
Genome position (GRCh38, 1-based): chr3:48,564,937, G deleted on the plus strand (C on the coding strand, the reverse complement: COL7A1 is on the minus strand). VCF-style (leftmost placement, unchanged base first): chr3-48564936-TG-T. GRCh37 (hg19) VCF-style: chr3-48602369-TG-T.
Identifiers: ClinVar variation 2028840 (VCV002028840.4), dbSNP rs2530796921, ClinGen allele CA2580070062.
Genomic context (GRCh38, chr3:48,564,936, plus strand): 5'-AGACAAAAGGGTGACAGGCCTCTGTGCTGCCTGTCACAGCCCGATGGTACCAGCGCAGGG[TG>T]TAGGCAGTGCAGGAGCCCTCATCCAGTGGCAGGGAACAGGGGTCTGGGCCAATGGGGTCA-3'

ClinVar aggregate classification (germline): Pathogenic (1 of 4 stars; one submission).

Submission:

Labcorp Genetics (formerly Invitae), Labcorp
Classification: Pathogenic. Last evaluated: 2022-09-03. Review status: criteria provided, single submitter. Criteria: Invitae Variant Classification Sherloc (09022015). Collection method: clinical testing. Allele origin: germline.
Comment: This variant has not been reported in the literature in individuals affected with COL7A1-related conditions. This sequence change creates a premature translational stop signal (p.Tyr2888*) in the COL7A1 gene. It is expected to result in an absent or disrupted protein product. Loss-of-function variants in COL7A1 are known to be pathogenic (PMID: 16971478). This variant is not present in population databases (gnomAD no frequency). Algorithms developed to predict the effect of sequence changes on RNA splicing suggest that this variant may disrupt the consensus splice site. For these reasons, this variant has been classified as Pathogenic.

Literature cited by the submitters: PubMed 16971478.